The following is an entry in ClinVar:

ClinVar aggregate classification (germline): Uncertain significance (1 of 4 stars; one submission).

Conditions:
Hereditary cancer-predisposing syndrome. Also called: Neoplastic Syndromes, Hereditary; Tumor predisposition; Hereditary neoplastic syndrome; Hereditary Cancer Syndrome. Identifiers: Orphanet 140162, MedGen C0027672, MeSH D009386, MONDO:0015356.

Submission:

Ambry Genetics
Classification: Uncertain significance for Hereditary cancer-predisposing syndrome. Last evaluated: 2026-06-18. Review status: criteria provided, single submitter. Criteria: Ambry Variant Classification Scheme 2023. Collection method: clinical testing. Allele origin: germline.
Comment: The p.N45K variant (also known as c.135C>A), located in coding exon 1 of the PHOX2B gene, results from a C to A substitution at nucleotide position 135. The asparagine at codon 45 is replaced by lysine, an amino acid with similar properties. This amino acid position is conserved. In addition, the in silico prediction for this alteration is inconclusive. Based on the available evidence, the clinical significance of this variant remains unclear.

NM_003924.4(PHOX2B):c.135C>A (p.Asn45Lys)

Genes: PHOX2B (paired like homeobox 2B; minus strand), PHOX2B-AS1 (PHOX2B antisense RNA 1; plus strand). Cytogenetic location: 4p13.
Variant type: single nucleotide variant.
Coding change: c.135C>A on transcript NM_003924.4 (MANE Select); coding-DNA position 135, C replaced by A.
Protein change: p.Asn45Lys; replaces asparagine 45 with lysine.
Molecular consequence: missense variant. On other transcripts: non-coding transcript variant (1).
Genome position (GRCh38, 1-based): chr4:41,748,476, G>T on the plus strand (C>A on the coding strand, the complement: PHOX2B is on the minus strand). VCF-style: chr4-41748476-G-T. GRCh37 (hg19) VCF-style: chr4-41750493-G-T.
Other names: short protein forms N45K.
Identifiers: ClinVar variation 5026524 (VCV005026524.1).